The following is an entry in ClinVar:

NM_016824.5(ADD3):c.1712G>A (p.Arg571His)

Gene: ADD3 (adducin 3; plus strand). Cytogenetic location: 10q25.2.
Variant type: single nucleotide variant.
Coding change: c.1712G>A on transcript NM_016824.5 (MANE Select); coding-DNA position 1712, G replaced by A.
Protein change: p.Arg571His; replaces arginine 571 with histidine.
Molecular consequence: missense variant.
Genome position (GRCh38, 1-based): chr10:110,130,466, G>A. VCF-style: chr10-110130466-G-A. GRCh37 (hg19) VCF-style: chr10-111890224-G-A.
Other names: c.1712G>A, p.Arg571His (NM_001121.4, NM_001320591.2, NM_001320592.2 and 2 more transcripts); c.1478G>A, p.Arg493His (NM_001320594.2); c.1712G>A (NM_016824.3); short protein forms R493H, R571H.
Identifiers: ClinVar variation 1399000 (VCV001399000.8), dbSNP rs141186367, ClinGen allele CA5686698.

ClinVar aggregate classification (germline): Uncertain significance. Review status: criteria provided, multiple submitters, no conflicts (2 of 4 stars). 3 submissions from 3 submitters: Uncertain significance (3). Last evaluated 2024-09-24.

Allele frequency attached by ClinVar (database versions not stated): gnomAD exomes 0.00009; ExAC 0.00012; 1000 Genomes Project 30x 0.00016; 1000 Genomes Project 0.00020; gnomAD 0.00026 and 0.00028; TOPMed 0.00027; ESP Exome Variant Server 0.00054.
gnomAD v4.1: 157 of 1,613,776 alleles (0.0097%); highest among the groups gnomAD compares: African/African-American, 0.081%; no homozygotes.

Submissions (3):

GeneDx
Classification: Uncertain significance. Last evaluated: 2024-09-24. Review status: criteria provided, single submitter. Criteria: GeneDx Variant Classification Process June 2021. Collection method: clinical testing. Allele origin: germline. Affected: yes.
Comment: In silico analysis supports that this missense variant has a deleterious effect on protein structure/function; Has not been previously published as pathogenic or benign in association with ADD3-related disorder to our knowledge; This variant is associated with the following publications: (PMID: 34859687)

Ambry Genetics
Classification: Uncertain significance. Last evaluated: 2024-06-11. Review status: criteria provided, single submitter. Criteria: Ambry Variant Classification Scheme 2023. Collection method: clinical testing. Allele origin: germline.

Labcorp Genetics (formerly Invitae), Labcorp
Classification: Uncertain significance. Last evaluated: 2023-08-10. Review status: criteria provided, single submitter. Criteria: Invitae Variant Classification Sherloc (09022015). Collection method: clinical testing. Allele origin: germline.
Comment: This variant is present in population databases (rs141186367, gnomAD 0.1%). In summary, the available evidence is currently insufficient to determine the role of this variant in disease. Therefore, it has been classified as a Variant of Uncertain Significance. Advanced modeling of protein sequence and biophysical properties (such as structural, functional, and spatial information, amino acid conservation, physicochemical variation, residue mobility, and thermodynamic stability) performed at Invitae indicates that this missense variant is not expected to disrupt ADD3 protein function. ClinVar contains an entry for this variant (Variation ID: 1399000). This variant has not been reported in the literature in individuals affected with ADD3-related conditions. This sequence change replaces arginine, which is basic and polar, with histidine, which is basic and polar, at codon 571 of the ADD3 protein (p.Arg571His).